The following is an entry in ClinVar:

NM_001458.5(FLNC):c.1735C>A (p.Pro579Thr)

Gene: FLNC (filamin C; plus strand). Cytogenetic location: 7q32.1.
Variant type: single nucleotide variant.
Coding change: c.1735C>A on transcript NM_001458.5 (MANE Select); coding-DNA position 1735, C replaced by A.
Protein change: p.Pro579Thr; replaces proline 579 with threonine.
Molecular consequence: missense variant.
Genome position (GRCh38, 1-based): chr7:128,840,892, C>A. VCF-style: chr7-128840892-C-A. GRCh37 (hg19) VCF-style: chr7-128480946-C-A.
Other names: c.1735C>A, p.Pro579Thr (NM_001127487.2); short protein forms P579T.
Identifiers: ClinVar variation 935787 (VCV000935787.13), dbSNP rs1808303402, ClinGen allele CA369226962.

ClinVar aggregate classification (germline): Uncertain significance. Review status: criteria provided, multiple submitters, no conflicts (2 of 4 stars). 2 submissions from 2 submitters: Uncertain significance (2). Last evaluated 2025-08-09.

Conditions:
Myofibrillar myopathy 5. Also called: Filaminopathy (type); FILAMINOPATHY, AUTOSOMAL DOMINANT. Identifiers: Orphanet 171445, MedGen C1836050, MONDO:0012289, OMIM 609524.
Hypertrophic cardiomyopathy 26. Also called: Cardiomyopathy, familial hypertrophic, 26. Identifiers: Orphanet 75249, MedGen C4310749, MONDO:0014883, OMIM 617047.
Distal myopathy with posterior leg and anterior hand involvement. Also called: WILLIAMS DISTAL MYOPATHY. Identifiers: Orphanet 63273, MedGen C3279722, MONDO:0013550, OMIM 614065.
Cardiovascular phenotype. Identifiers: MedGen CN230736.

Submissions (2):

Ambry Genetics
Classification: Uncertain significance for Cardiovascular phenotype. Last evaluated: 2025-08-09. Review status: criteria provided, single submitter. Criteria: Ambry Variant Classification Scheme 2023. Collection method: clinical testing. Allele origin: germline.

Labcorp Genetics (formerly Invitae), Labcorp
Classification: Uncertain significance for Distal myopathy with posterior leg and anterior hand involvement; Myofibrillar myopathy 5; Hypertrophic cardiomyopathy 26. Last evaluated: 2023-12-27. Review status: criteria provided, single submitter. Criteria: Invitae Variant Classification Sherloc (09022015). Collection method: clinical testing. Allele origin: germline.
Comment: This sequence change replaces proline, which is neutral and non-polar, with threonine, which is neutral and polar, at codon 579 of the FLNC protein (p.Pro579Thr). This variant is not present in population databases (gnomAD no frequency). This variant has not been reported in the literature in individuals affected with FLNC-related conditions. ClinVar contains an entry for this variant (Variation ID: 935787). Advanced modeling of protein sequence and biophysical properties (such as structural, functional, and spatial information, amino acid conservation, physicochemical variation, residue mobility, and thermodynamic stability) has been performed at Invitae for this missense variant, however the output from this modeling did not meet the statistical confidence thresholds required to predict the impact of this variant on FLNC protein function. In summary, the available evidence is currently insufficient to determine the role of this variant in disease. Therefore, it has been classified as a Variant of Uncertain Significance.